The following is an entry in ClinVar:

NM_017644.3(KLHL24):c.1224+7G>T

Gene: KLHL24 (kelch like family member 24; plus strand). Cytogenetic location: 3q27.1.
Variant type: single nucleotide variant.
Coding change: c.1224+7G>T on transcript NM_017644.3 (MANE Select); 7 bases into the intron after coding-DNA position 1224, G replaced by T.
Molecular consequence: intron variant.
Genome position (GRCh38, 1-based): chr3:183,665,046, G>T. VCF-style: chr3-183665046-G-T. GRCh37 (hg19) VCF-style: chr3-183382834-G-T.
Other names: c.1224+7G>T (NM_001349418.1, NM_001349424.1, NM_001349413.1 and 11 more transcripts); c.381+7G>T (NM_001349428.1, NM_001349429.1).
Identifiers: ClinVar variation 4980073 (VCV004980073.1).

ClinVar aggregate classification (germline): Likely benign (1 of 4 stars; one submission).

Conditions:
KLHL24-related disorder. Also called: KLHL24-related condition.

gnomAD v4.1: 64 of 1,446,944 alleles (0.0044%); highest among the groups gnomAD compares: African/African-American, 0.072%; no homozygotes.

Submission:

PreventionGenetics, part of Exact Sciences
Classification: Likely benign for KLHL24-related condition. Last evaluated: 2024-10-07. Review status: criteria provided, single submitter. Criteria: ACMG Guidelines, 2015. Collection method: clinical testing. Allele origin: germline.
Comment: This variant is classified as likely benign based on ACMG/AMP sequence variant interpretation guidelines (Richards et al. 2015 PMID: 25741868, with internal and published modifications).